The following is an entry in ClinVar:

NM_001003800.2(BICD2):c.2294A>G (p.Gln765Arg)

Gene: BICD2 (BICD cargo adaptor 2; minus strand). Cytogenetic location: 9q22.31.
Variant type: single nucleotide variant.
Coding change: c.2294A>G on transcript NM_001003800.2 (MANE Select); coding-DNA position 2294, A replaced by G.
Protein change: p.Gln765Arg; replaces glutamine 765 with arginine.
Molecular consequence: missense variant.
Genome position (GRCh38, 1-based): chr9:92,715,428, T>C on the plus strand (A>G on the coding strand, the complement: BICD2 is on the minus strand). VCF-style: chr9-92715428-T-C. GRCh37 (hg19) VCF-style: chr9-95477710-T-C.
Other names: c.2294A>G, p.Gln765Arg (NM_015250.4); short protein forms Q765R.
Identifiers: ClinVar variation 1025096 (VCV001025096.12), dbSNP rs1853288308, ClinGen allele CA374030651.

ClinVar aggregate classification (germline): Uncertain significance (1 of 4 stars; one submission).

Conditions:
Autosomal dominant childhood-onset proximal spinal muscular atrophy with contractures (SMALED2A). Also called: SPINAL MUSCULAR ATROPHY, LOWER EXTREMITY-PREDOMINANT, 2A, CHILDHOOD ONSET, AUTOSOMAL DOMINANT; Spinal muscular atrophy, lower extremity-predominant, 2A, autosomal dominant. Identifiers: Orphanet 363447, Orphanet 363454, MedGen C4747715, MONDO:0014121, OMIM 615290.

Submission:

Labcorp Genetics (formerly Invitae), Labcorp
Classification: Uncertain significance for Autosomal dominant childhood-onset proximal spinal muscular atrophy with contractures. Last evaluated: 2020-02-27. Review status: criteria provided, single submitter. Criteria: Invitae Variant Classification Sherloc (09022015). Collection method: clinical testing. Allele origin: germline.
Comment: This sequence change replaces glutamine with arginine at codon 765 of the BICD2 protein (p.Gln765Arg). The glutamine residue is moderately conserved and there is a small physicochemical difference between glutamine and arginine. This variant is not present in population databases (ExAC no frequency). This variant has not been reported in the literature in individuals with BICD2-related conditions. Algorithms developed to predict the effect of missense changes on protein structure and function are either unavailable or do not agree on the potential impact of this missense change (SIFT: "Tolerated"; PolyPhen-2: "Probably Damaging"; Align-GVGD: "Class C0"). In summary, the available evidence is currently insufficient to determine the role of this variant in disease. Therefore, it has been classified as a Variant of Uncertain Significance.